The following is an entry in ClinVar:

ClinVar aggregate classification (germline): Conflicting classifications of pathogenicity. Review status: criteria provided, conflicting classifications (1 of 4 stars). 3 submissions from 3 submitters: Likely pathogenic (1); Uncertain significance (2). Last evaluated 2025-10-02.

Allele frequency attached by ClinVar (database versions not stated): ESP Exome Variant Server 0.00008; gnomAD exomes 0.00008 and 0.00010; TOPMed 0.00009; gnomAD 0.00010; ExAC 0.00013.
gnomAD v4.1: 134 of 1,614,224 alleles (0.0083%); highest among the groups gnomAD compares: Non-Finnish European, 0.011%; no homozygotes.

Submissions (3):

Labcorp Genetics (formerly Invitae), Labcorp
Classification: Uncertain significance. Last evaluated: 2025-10-02. Review status: criteria provided, single submitter. Criteria: Invitae Variant Classification Sherloc (09022015). Collection method: clinical testing. Allele origin: germline.
Comment: This sequence change creates a premature translational stop signal (p.Tyr199*) in the CDC6 gene. It is expected to result in an absent or disrupted protein product. However, the current clinical and genetic evidence is not sufficient to establish whether loss-of-function variants in CDC6 cause disease. This variant is present in population databases (rs200468440, gnomAD 0.02%). This variant has not been reported in the literature in individuals affected with CDC6-related conditions. ClinVar contains an entry for this variant (Variation ID: 323055). In summary, the available evidence is currently insufficient to determine the role of this variant in disease. Therefore, it has been classified as a Variant of Uncertain Significance.

Blueprint Genetics
Classification: Uncertain significance. Last evaluated: 2024-11-12. Review status: criteria provided, single submitter. Criteria: ACMG Guidelines, 2015. Collection method: clinical testing. Allele origin: germline.

CeGaT Center for Human Genetics Tuebingen
Classification: Likely pathogenic. Last evaluated: 2017-04-01. Review status: criteria provided, single submitter. Criteria: CeGaT Center For Human Genetics Tuebingen Variant Classification Criteria Version 2. Collection method: clinical testing. Allele origin: germline. Affected: yes. Observed: 1 variant allele.

NM_001254.4(CDC6):c.597C>G (p.Tyr199Ter)

Gene: CDC6 (cell division cycle 6; plus strand). Cytogenetic location: 17q21.2.
Variant type: single nucleotide variant.
Coding change: c.597C>G on transcript NM_001254.4 (MANE Select); coding-DNA position 597, C replaced by G.
Protein change: p.Tyr199Ter; replaces tyrosine 199 with a stop codon.
Molecular consequence: nonsense.
Genome position (GRCh38, 1-based): chr17:40,291,605, C>G. VCF-style: chr17-40291605-C-G. GRCh37 (hg19) VCF-style: chr17-38447857-C-G.
Other names: short protein forms Y199*.
Identifiers: ClinVar variation 323055 (VCV000323055.53), dbSNP rs200468440, ClinGen allele CA8541913.